The following is an entry in ClinVar:

NM_006892.4(DNMT3B):c.254C>T (p.Pro85Leu)

Gene: DNMT3B (DNA methyltransferase 3 beta; plus strand). Cytogenetic location: 20q11.21.
Variant type: single nucleotide variant.
Coding change: c.254C>T on transcript NM_006892.4 (MANE Select); coding-DNA position 254, C replaced by T.
Protein change: p.Pro85Leu; replaces proline 85 with leucine.
Molecular consequence: missense variant. On other transcripts: intron variant (1).
Genome position (GRCh38, 1-based): chr20:32,784,807, C>T. VCF-style: chr20-32784807-C-T. GRCh37 (hg19) VCF-style: chr20-31372613-C-T.
Other names: c.254C>T, p.Pro85Leu (NM_001207055.2, NM_175848.2, NM_175849.2); c.290C>T, p.Pro97Leu (NM_175850.3); c.205-2423C>T (NM_001207056.2); short protein forms P97L, P85L.
Identifiers: ClinVar variation 663547 (VCV000663547.7), dbSNP rs142571267, ClinGen allele CA9810112.

ClinVar aggregate classification (germline): Uncertain significance (1 of 4 stars; one submission).

Conditions:
Centromeric instability of chromosomes 1,9 and 16 and immunodeficiency (ICF1). Also called: CENTROMERIC INSTABILITY, IMMUNODEFICIENCY SYNDROME; IMMUNE DEFICIENCY, VARIABLE, WITH CENTROMERIC INSTABILITY OF CHROMOSOMES 1, 9, AND 16; IMMUNODEFICIENCY SYNDROME, VARIABLE; Immunodeficiency-centromeric instability-facial anomalies. Identifiers: Orphanet 2268, MedGen C0398788, MONDO:0000133.

Allele frequency attached by ClinVar (database versions not stated): TOPMed 0.00002; gnomAD 0.00003; gnomAD exomes 0.00004; ExAC 0.00005; 1000 Genomes Project 30x 0.00016; 1000 Genomes Project 0.00020.

Submission:

Labcorp Genetics (formerly Invitae), Labcorp
Classification: Uncertain significance for Centromeric instability of chromosomes 1,9 and 16 and immunodeficiency. Last evaluated: 2021-09-01. Review status: criteria provided, single submitter. Criteria: Invitae Variant Classification Sherloc (09022015). Collection method: clinical testing. Allele origin: germline.
Comment: This sequence change replaces proline with leucine at codon 85 of the DNMT3B protein (p.Pro85Leu). The proline residue is moderately conserved and there is a moderate physicochemical difference between proline and leucine. This variant is present in population databases (rs142571267, ExAC 0.008%). This variant has not been reported in the literature in individuals affected with DNMT3B-related conditions. Algorithms developed to predict the effect of missense changes on protein structure and function output the following: SIFT: "Tolerated"; PolyPhen-2: "Probably Damaging"; Align-GVGD: "Class C0". The leucine amino acid residue is found in multiple mammalian species, which suggests that this missense change does not adversely affect protein function. In summary, the available evidence is currently insufficient to determine the role of this variant in disease. Therefore, it has been classified as a Variant of Uncertain Significance.